The following is an entry in ClinVar:

NM_000751.3(CHRND):c.260G>A (p.Arg87Gln)

Gene: CHRND (cholinergic receptor nicotinic delta subunit; plus strand). Cytogenetic location: 2q37.1.
Variant type: single nucleotide variant.
Coding change: c.260G>A on transcript NM_000751.3 (MANE Select); coding-DNA position 260, G replaced by A.
Protein change: p.Arg87Gln; replaces arginine 87 with glutamine.
Molecular consequence: missense variant. On other transcripts: 5 prime UTR variant (2).
Genome position (GRCh38, 1-based): chr2:232,528,278, G>A. VCF-style: chr2-232528278-G-A. GRCh37 (hg19) VCF-style: chr2-233392988-G-A.
Other names: c.215G>A, p.Arg72Gln (NM_001256657.2); c.-12G>A (NM_001311195.2, NM_001311196.2); c.260G>A (NM_000751.1); short protein forms R87Q, R72Q.
Identifiers: ClinVar variation 573268 (VCV000573268.16), dbSNP rs201264983, ClinGen allele CA2167976.

ClinVar aggregate classification (germline): Uncertain significance. Review status: criteria provided, multiple submitters, no conflicts (2 of 4 stars). 3 submissions from 3 submitters: Uncertain significance (3). Last evaluated 2026-09-11.

Conditions:
Lethal multiple pterygium syndrome (LMPS). Identifiers: Orphanet 33108, MedGen C1854678, MONDO:0009668, OMIM 253290.
Inborn genetic diseases. Identifiers: MedGen C0950123, MeSH D030342.

Allele frequency attached by ClinVar (database versions not stated): gnomAD exomes 0.00002 and 0.00004; ExAC 0.00003; TOPMed 0.00003; gnomAD 0.00005.
gnomAD v4.1: 40 of 1,614,008 alleles (0.0025%); highest among the groups gnomAD compares: Admixed American, 0.012%; no homozygotes.

Submissions (3):

Ambry Genetics
Classification: Uncertain significance for Inborn genetic diseases. Last evaluated: 2026-09-11. Review status: criteria provided, single submitter. Criteria: Ambry Variant Classification Scheme 2023. Collection method: clinical testing. Allele origin: germline.

Labcorp Genetics (formerly Invitae), Labcorp
Classification: Uncertain significance for Lethal multiple pterygium syndrome. Last evaluated: 2024-04-09. Review status: criteria provided, single submitter. Criteria: Invitae Variant Classification Sherloc (09022015). Collection method: clinical testing. Allele origin: germline.
Comment: This sequence change replaces arginine, which is basic and polar, with glutamine, which is neutral and polar, at codon 87 of the CHRND protein (p.Arg87Gln). This variant is present in population databases (rs201264983, gnomAD 0.02%). This variant has not been reported in the literature in individuals affected with CHRND-related conditions. ClinVar contains an entry for this variant (Variation ID: 573268). Advanced modeling of protein sequence and biophysical properties (such as structural, functional, and spatial information, amino acid conservation, physicochemical variation, residue mobility, and thermodynamic stability) performed at Invitae indicates that this missense variant is not expected to disrupt CHRND protein function with a negative predictive value of 80%. In summary, the available evidence is currently insufficient to determine the role of this variant in disease. Therefore, it has been classified as a Variant of Uncertain Significance.

Revvity Omics, Revvity
Classification: Uncertain significance. Last evaluated: 2020-03-18. Review status: criteria provided, single submitter. Criteria: ACMG Guidelines, 2015. Collection method: clinical testing. Allele origin: germline.